The following is an entry in ClinVar:

NM_004360.5(CDH1):c.1321-88C>T

Gene: CDH1 (cadherin 1; plus strand). Cytogenetic location: 16q22.1.
Variant type: single nucleotide variant.
Coding change: c.1321-88C>T on transcript NM_004360.5 (MANE Select); 88 bases into the intron before coding-DNA position 1321, C replaced by T.
Molecular consequence: intron variant.
Genome position (GRCh38, 1-based): chr16:68,815,427, C>T. VCF-style: chr16-68815427-C-T. GRCh37 (hg19) VCF-style: chr16-68849330-C-T.
Other names: c.-228-88C>T (NM_001317185.2); c.-499-88C>T (NM_001317186.2); c.1138-88C>T (NM_001317184.2); c.1321-88C>T (NM_004360.4).
Identifiers: ClinVar variation 1190943 (VCV001190943.3), dbSNP rs33934457, ClinGen allele CA14344933.

ClinVar aggregate classification (germline): Conflicting classifications of pathogenicity. Review status: criteria provided, conflicting classifications (1 of 4 stars). 2 submissions from 2 submitters: Uncertain significance (1); Likely benign (1). Last evaluated 2022-08-01.

Conditions:
Hereditary diffuse gastric adenocarcinoma (HDGC). Also called: DIFFUSE GASTRIC AND LOBULAR BREAST CANCER SYNDROME. Identifiers: Orphanet 26106, MedGen C1708349, MONDO:0007648, OMIM 137215.

Allele frequency attached by ClinVar (database versions not stated): 1000 Genomes Project 0.00419; 1000 Genomes Project 30x 0.00437; gnomAD 0.00477 and 0.00519; TOPMed 0.00526.
gnomAD v4.1: 1,341 of 1,551,310 alleles (0.086%); highest among the groups gnomAD compares: African/African-American, 1.7%; 9 homozygotes.

Submissions (2):

European Reference Network on Genetic Tumour Risk Syndromes (ERN-GENTURIS), i3s - Instituto de Investigação e Inovação em Saúde, University of Porto
Classification: Uncertain significance for Hereditary diffuse gastric adenocarcinoma. Last evaluated: 2022-08-01. Review status: criteria provided, single submitter. Criteria: Lee et al. (Hum Mutat. 2018). Collection method: clinical testing. Allele origin: germline. Inheritance: Autosomal dominant inheritance. Affected: no. Study: ERN GENTURIS.
Comment: PM2; BS2_Supporting (PMID: 30311375)

GeneDx
Classification: Likely benign. Last evaluated: 2018-06-21. Review status: criteria provided, single submitter. Criteria: GeneDx Variant Classification Process June 2021. Collection method: clinical testing. Allele origin: germline. Affected: yes.

Literature cited by the submitters: PubMed 36436516 (cited by European Reference Network on Genetic Tumour Risk Syndromes (ERN-GENTURIS), i3s - Instituto de Investigação e Inovação em Saúde, University of Porto).